The following is an entry in ClinVar:

NM_004994.3(MMP9):c.1094G>A (p.Gly365Asp)

Gene: MMP9 (matrix metallopeptidase 9; plus strand). Cytogenetic location: 20q13.12.
Variant type: single nucleotide variant.
Coding change: c.1094G>A on transcript NM_004994.3 (MANE Select); coding-DNA position 1094, G replaced by A.
Protein change: p.Gly365Asp; replaces glycine 365 with aspartic acid.
Molecular consequence: missense variant.
Genome position (GRCh38, 1-based): chr20:46,012,233, G>A. VCF-style: chr20-46012233-G-A. GRCh37 (hg19) VCF-style: chr20-44640872-G-A.
Other names: c.1094G>A (NM_004994.2); short protein forms G365D.
Identifiers: ClinVar variation 1481351 (VCV001481351.9), dbSNP rs750611219, ClinGen allele CA9886620.

ClinVar aggregate classification (germline): Uncertain significance. Review status: criteria provided, multiple submitters, no conflicts (2 of 4 stars). 2 submissions from 2 submitters: Uncertain significance (2). Last evaluated 2025-07-02.

Allele frequency attached by ClinVar (database versions not stated): ExAC 0.00003; gnomAD exomes 0.00001 and 0.00002; TOPMed 0.00002.
gnomAD v4.1: 5 of 1,614,110 alleles (0.00031%); highest among the groups gnomAD compares: Admixed American, 0.0083%; no homozygotes.

Submissions (2):

Labcorp Genetics (formerly Invitae), Labcorp
Classification: Uncertain significance. Last evaluated: 2025-07-02. Review status: criteria provided, single submitter. Criteria: Invitae Variant Classification Sherloc (09022015). Collection method: clinical testing. Allele origin: germline.
Comment: This sequence change replaces glycine, which is neutral and non-polar, with aspartic acid, which is acidic and polar, at codon 365 of the MMP9 protein (p.Gly365Asp). This variant is present in population databases (rs750611219, gnomAD 0.009%). This variant has not been reported in the literature in individuals affected with MMP9-related conditions. ClinVar contains an entry for this variant (Variation ID: 1481351). Invitae Evidence Modeling of protein sequence and biophysical properties (such as structural, functional, and spatial information, amino acid conservation, physicochemical variation, residue mobility, and thermodynamic stability) has been performed for this missense variant. However, the output from this modeling did not meet the statistical confidence thresholds required to predict the impact of this variant on MMP9 protein function. In summary, the available evidence is currently insufficient to determine the role of this variant in disease. Therefore, it has been classified as a Variant of Uncertain Significance.

Ambry Genetics
Classification: Uncertain significance. Last evaluated: 2024-02-28. Review status: criteria provided, single submitter. Criteria: Ambry Variant Classification Scheme 2023. Collection method: clinical testing. Allele origin: germline.